The following is an entry in ClinVar:

NM_178014.4(TUBB):c.1168C>T (p.Arg390Cys)

Gene: TUBB (tubulin beta class I; plus strand). Cytogenetic location: 6p21.33.
Variant type: single nucleotide variant.
Coding change: c.1168C>T on transcript NM_178014.4 (MANE Select); coding-DNA position 1168, C replaced by T.
Protein change: p.Arg390Cys; replaces arginine 390 with cysteine.
Molecular consequence: missense variant. On other transcripts: non-coding transcript variant (1).
Genome position (GRCh38, 1-based): chr6:30,724,230, C>T. VCF-style: chr6-30724230-C-T. GRCh37 (hg19) VCF-style: chr6-30692007-C-T.
Other names: c.1228C>T, p.Arg410Cys (NM_001293212.2); c.562C>T, p.Arg188Cys (NM_001293213.2); c.1036C>T, p.Arg346Cys (NM_001293214.2); c.952C>T, p.Arg318Cys (NM_001293215.2, NM_001293216.2); short protein forms R188C, R318C, R346C, R390C, R410C.
Identifiers: ClinVar variation 1704757 (VCV001704757.2), dbSNP rs2394398, ClinGen allele CA363151319.

ClinVar aggregate classification (germline): Uncertain significance (1 of 4 stars; one submission).

Submission:

GeneDx
Classification: Uncertain significance. Last evaluated: 2022-03-11. Review status: criteria provided, single submitter. Criteria: GeneDx Variant Classification Process June 2021. Collection method: clinical testing. Allele origin: germline. Affected: yes.
Comment: Not observed at significant frequency in large population cohorts (gnomAD); In silico analysis supports that this missense variant has a deleterious effect on protein structure/function; Has not been previously published as pathogenic or benign to our knowledge